The following is an entry in ClinVar:

ClinVar aggregate classification (germline): Uncertain significance. Review status: criteria provided, multiple submitters, no conflicts (2 of 4 stars). 2 submissions from 2 submitters: Uncertain significance (2). Last evaluated 2025-12-26.

Submissions (2):

Labcorp Genetics (formerly Invitae), Labcorp
Classification: Uncertain significance. Last evaluated: 2025-12-26. Review status: criteria provided, single submitter. Criteria: Invitae Variant Classification Sherloc (09022015). Collection method: clinical testing. Allele origin: germline.
Comment: This sequence change replaces leucine, which is neutral and non-polar, with phenylalanine, which is neutral and non-polar, at codon 229 of the SOX3 protein (p.Leu229Phe). This variant is present in population databases (no rsID available, gnomAD 0.01%), including at least one homozygous and/or hemizygous individual. This variant has not been reported in the literature in individuals affected with SOX3-related conditions. ClinVar contains an entry for this variant (Variation ID: 4172153). Invitae Evidence Modeling of protein sequence and biophysical properties (such as structural, functional, and spatial information, amino acid conservation, physicochemical variation, residue mobility, and thermodynamic stability) indicates that this missense variant is not expected to disrupt SOX3 protein function with a negative predictive value of 80%. In summary, the available evidence is currently insufficient to determine the role of this variant in disease. Therefore, it has been classified as a Variant of Uncertain Significance.

Ambry Genetics
Classification: Uncertain significance. Last evaluated: 2025-06-17. Review status: criteria provided, single submitter. Criteria: Ambry Variant Classification Scheme 2023. Collection method: clinical testing. Allele origin: germline.

NM_005634.3(SOX3):c.685C>T (p.Leu229Phe)

Gene: SOX3 (SRY-box transcription factor 3; minus strand). Cytogenetic location: Xq27.1.
Variant type: single nucleotide variant.
Coding change: c.685C>T on transcript NM_005634.3 (MANE Select); coding-DNA position 685, C replaced by T.
Protein change: p.Leu229Phe; replaces leucine 229 with phenylalanine.
Molecular consequence: missense variant.
Genome position (GRCh38, 1-based): chrX:140,504,376, G>A on the plus strand (C>T on the coding strand, the complement: SOX3 is on the minus strand). VCF-style: chrX-140504376-G-A. GRCh37 (hg19) VCF-style: chrX-139586541-G-A.
Other names: short protein forms L229F.
Identifiers: ClinVar variation 4172153 (VCV004172153.2).